The following is an entry in ClinVar:

ClinVar aggregate classification (germline): Uncertain significance (1 of 4 stars; one submission).

Submission:

Labcorp Genetics (formerly Invitae), Labcorp
Classification: Uncertain significance. Last evaluated: 2026-01-05. Review status: criteria provided, single submitter. Criteria: Invitae Variant Classification Sherloc (09022015). Collection method: clinical testing. Allele origin: germline.
Comment: This sequence change replaces valine, which is neutral and non-polar, with isoleucine, which is neutral and non-polar, at codon 703 of the REPS1 protein (p.Val703Ile). This variant is not present in population databases (gnomAD no frequency). This variant has not been reported in the literature in individuals affected with REPS1-related conditions. ClinVar contains an entry for this variant (Variation ID: 1488999). Invitae Evidence Modeling of protein sequence and biophysical properties (such as structural, functional, and spatial information, amino acid conservation, physicochemical variation, residue mobility, and thermodynamic stability) indicates that this missense variant is not expected to disrupt REPS1 protein function with a negative predictive value of 80%. In summary, the available evidence is currently insufficient to determine the role of this variant in disease. Therefore, it has been classified as a Variant of Uncertain Significance.

NM_001286611.2(REPS1):c.2107G>A (p.Val703Ile)

Gene: REPS1 (RALBP1 associated Eps domain containing 1; minus strand). Cytogenetic location: 6q24.1.
Variant type: single nucleotide variant.
Coding change: c.2107G>A on transcript NM_001286611.2 (MANE Select); coding-DNA position 2107, G replaced by A.
Protein change: p.Val703Ile; replaces valine 703 with isoleucine.
Molecular consequence: missense variant.
Genome position (GRCh38, 1-based): chr6:138,908,777, C>T on the plus strand (G>A on the coding strand, the complement: REPS1 is on the minus strand). VCF-style: chr6-138908777-C-T. GRCh37 (hg19) VCF-style: chr6-139229914-C-T.
Other names: c.2026G>A, p.Val676Ile (NM_001128617.3); c.1834G>A, p.Val612Ile (NM_001286612.2); c.2104G>A, p.Val702Ile (NM_031922.5); short protein forms V612I, V702I, V676I, V703I.
Identifiers: ClinVar variation 1488999 (VCV001488999.8), dbSNP rs2128424475, ClinGen allele CA365806173.